The following is an entry in ClinVar:

NM_018979.4(WNK1):c.4826A>G (p.Asn1609Ser)

Gene: WNK1 (WNK lysine deficient protein kinase 1; plus strand). Cytogenetic location: 12p13.33.
Variant type: single nucleotide variant.
Coding change: c.4826A>G on transcript NM_018979.4 (MANE Select); coding-DNA position 4826, A replaced by G.
Protein change: p.Asn1609Ser; replaces asparagine 1609 with serine.
Molecular consequence: missense variant.
Genome position (GRCh38, 1-based): chr12:885,630, A>G. VCF-style: chr12-885630-A-G. GRCh37 (hg19) VCF-style: chr12-994796-A-G.
Other names: c.4826A>G (NM_018979.3); c.5606A>G, p.Asn1869Ser (NM_001184985.2); c.4085A>G, p.Asn1362Ser (NM_014823.3); c.5582A>G, p.Asn1861Ser (NM_213655.5); short protein forms N1861S, N1362S, N1609S, N1869S.
Identifiers: ClinVar variation 835371 (VCV000835371.7), dbSNP rs775933163, ClinGen allele CA6383039.
Genomic context (GRCh38, chr12:885,630, plus strand): 5'-CTTCTACACCTTTATTACCCCAAGTACCTAGTATCCCACCCTTGGTACAGCCTGTTGCCA[A>G]TGTGCCTGCTGTACAGCAGACACTAATTCATAGTCAGCCTCAACCAGCTTTGCTTCCCAA-3'
Protein context (NP_061852.3, residues 1599-1619): SIPPLVQPVA[Asn1609Ser]VPAVQQTLIH

ClinVar aggregate classification (germline): Uncertain significance. Review status: criteria provided, multiple submitters, no conflicts (2 of 4 stars). 4 submissions from 4 submitters: Uncertain significance (4). Last evaluated 2025-07-24.

Conditions:
WNK1-related disorder. Also called: WNK1-related condition.
Pseudohypoaldosteronism type 2C (PHA2C). Also called: Pseudohypoaldosteronism Type IIC. Identifiers: Orphanet 757, Orphanet 88940, MedGen C1840391, MONDO:0013778, OMIM 614492.
Neuropathy, hereditary sensory and autonomic, type 2A (HSAN2A). Also called: ACROOSTEOLYSIS, GIACCAI TYPE; ACROOSTEOLYSIS, NEUROGENIC; WNK1-Related HSAN2 (HSAN2A); HSAN IIA; MORVAN DISEASE; NEUROPATHY, CONGENITAL SENSORY. Identifiers: Orphanet 970, MedGen C2752089, MONDO:0024309, OMIM 201300.

Allele frequency attached by ClinVar (database versions not stated): gnomAD 0.00002 and 0.00003; TOPMed 0.00002; ExAC 0.00003; gnomAD exomes 0.00003.
gnomAD v4.1: 70 of 1,614,008 alleles (0.0043%); highest among the groups gnomAD compares: Middle Eastern, 0.016%; no homozygotes.

Submissions (4):

PreventionGenetics, part of Exact Sciences
Classification: Uncertain significance for WNK1-related condition. Last evaluated: 2025-07-24. Review status: criteria provided, single submitter. Criteria: ACMG Guidelines, 2015. Collection method: clinical testing. Allele origin: germline.
Comment: The WNK1 c.4826A>G variant is predicted to result in the amino acid substitution p.Asn1609Ser. To our knowledge, this variant has not been reported in the literature. This variant is reported in 0.020% of alleles in individuals of Latino descent in gnomAD. At this time, the clinical significance of this variant is uncertain due to the absence of conclusive functional and genetic evidence.

Labcorp Genetics (formerly Invitae), Labcorp
Classification: Uncertain significance for Neuropathy, hereditary sensory and autonomic, type 2A; Pseudohypoaldosteronism type 2C. Last evaluated: 2022-01-12. Review status: criteria provided, single submitter. Criteria: Invitae Variant Classification Sherloc (09022015). Collection method: clinical testing. Allele origin: germline.
Comment: This sequence change replaces asparagine, which is neutral and polar, with serine, which is neutral and polar, at codon 1861 of the WNK1 protein (p.Asn1861Ser). This variant is present in population databases (rs775933163, gnomAD 0.02%). This variant has not been reported in the literature in individuals affected with WNK1-related conditions. ClinVar contains an entry for this variant (Variation ID: 835371). Advanced modeling of protein sequence and biophysical properties (such as structural, functional, and spatial information, amino acid conservation, physicochemical variation, residue mobility, and thermodynamic stability) performed at Invitae indicates that this missense variant is not expected to disrupt WNK1 protein function. In summary, the available evidence is currently insufficient to determine the role of this variant in disease. Therefore, it has been classified as a Variant of Uncertain Significance.

Fulgent Genetics
Classification: Uncertain significance for Neuropathy, hereditary sensory and autonomic, type 2A; Pseudohypoaldosteronism type 2C. Last evaluated: 2022-01-04. Review status: criteria provided, single submitter. Criteria: ACMG Guidelines, 2015. Collection method: clinical testing. Allele origin: unknown.

Breakthrough Genomics
Classification: Uncertain significance. Review status: criteria provided, single submitter. Criteria: ACMG Guidelines, 2015. Collection method: not provided. Allele origin: germline. Inheritance: Autosomal recessive inheritance. Affected: yes.